The following is an entry in ClinVar:

NM_001754.5(RUNX1):c.1275G>C (p.Pro425=)

Gene: RUNX1 (RUNX family transcription factor 1; minus strand). Cytogenetic location: 21q22.12.
Variant type: single nucleotide variant.
Coding change: c.1275G>C on transcript NM_001754.5 (MANE Select); coding-DNA position 1275, G replaced by C.
Protein change: p.Pro425=; no amino-acid change (proline 425 retained).
Molecular consequence: synonymous variant.
Genome position (GRCh38, 1-based): chr21:34,792,303, C>G on the plus strand (G>C on the coding strand, the complement: RUNX1 is on the minus strand). VCF-style: chr21-34792303-C-G. GRCh37 (hg19) VCF-style: chr21-36164600-C-G.
Other names: NM_001754.5(RUNX1):c.1275G>C; p.Pro425=; c.1194G>C, p.Pro398= (NM_001001890.3).
Identifiers: ClinVar variation 2874886 (VCV002874886.7), dbSNP rs886038488, ClinGen allele CA512341144.

ClinVar aggregate classification (germline): Likely benign. Review status: reviewed by expert panel (3 of 4 stars). 4 submissions from 4 submitters: Likely benign (1). 3 of the submissions do not count toward it. Last evaluated 2024-09-18.

Conditions:
Hereditary thrombocytopenia and hematological cancer predisposition syndrome associated with RUNX1. Also called: Familial Platelet Disorder with Propensity to Acute Myelogenous Leukemia; Familial thrombocytopenia with propensity to acute myelogenous leukemia; PLATELET DISORDER, ASPIRIN-LIKE; RUNX1 Familial Platelet Disorder with Associated Myeloid Malignancies. Identifiers: Orphanet 71290, MedGen C1832388, MeSH C563324, MONDO:0100083, OMIM 601399.
RUNX1-related disorder. Also called: RUNX1-related condition.
Inborn genetic diseases. Identifiers: MedGen C0950123, MeSH D030342.
Hereditary thrombocytopenia and hematologic cancer predisposition syndrome. Identifiers: Orphanet 71290, MedGen CN281654, MONDO:0011071.

gnomAD v4.1: 17 of 1,536,006 alleles (0.0011%); highest among the groups gnomAD compares: Middle Eastern, 0.017%; no homozygotes.

Submissions (4):

ClinGen Myeloid Malignancy Variant Curation Expert Panel
Classification: Likely benign for Hereditary thrombocytopenia and hematologic cancer predisposition syndrome. Last evaluated: 2024-09-18. Review status: reviewed by expert panel. Criteria: ClinGen MyeloMalig ACMG Specifications v2. Collection method: curation. Allele origin: germline. Inheritance: Autosomal dominant inheritance.
Comment: NM_001754.5(RUNX1):c.1275G>C (p.Pro425=) is a synonymous variant which has a SpliceAI score ≤ 0.20 (0.0) (BP4). This variant has a SpliceAI score ≤ 0.20 (0.0) and evolutionary conservation algorithms predict the site as being not conserved (PhyloP score ≤ 2.0 (-1.62) (BP7). This variant is completely absent from all population databases with at least 20x coverage for RUNX1 (PM2_Supporting). In summary, this variant meets criteria to be classified as likely benign. ACMG/AMP criteria applied, as specified by the Myeloid Malignancy Variant Curation Expert Panel for RUNX1: BP4, BP7, PM2_supporting.

Ambry Genetics
Classification: Likely benign for Inborn genetic diseases. Last evaluated: 2025-10-01. Review status: criteria provided, single submitter. Criteria: Ambry Variant Classification Scheme 2023. Collection method: clinical testing. Allele origin: germline. Not counted in ClinVar's aggregate classification.

Labcorp Genetics (formerly Invitae), Labcorp
Classification: Likely benign for Hereditary thrombocytopenia and hematological cancer predisposition syndrome associated with RUNX1. Last evaluated: 2022-12-03. Review status: criteria provided, single submitter. Criteria: Invitae Variant Classification Sherloc (09022015). Collection method: clinical testing. Allele origin: germline. Not counted in ClinVar's aggregate classification.

PreventionGenetics, part of Exact Sciences
Classification: Likely benign for RUNX1-related condition. Last evaluated: 2021-11-12. Review status: no assertion criteria provided. Collection method: clinical testing. Allele origin: germline. Not counted in ClinVar's aggregate classification.
Comment: This variant is classified as likely benign based on ACMG/AMP sequence variant interpretation guidelines (Richards et al. 2015 PMID: 25741868, with internal and published modifications).